The following is an entry in ClinVar:

NM_001162501.2(TNRC6B):c.1716A>T (p.Gln572His)

Gene: TNRC6B (trinucleotide repeat containing adaptor 6B; plus strand). Cytogenetic location: 22q13.1.
Variant type: single nucleotide variant.
Coding change: c.1716A>T on transcript NM_001162501.2 (MANE Select); coding-DNA position 1716, A replaced by T.
Protein change: p.Gln572His; replaces glutamine 572 with histidine.
Molecular consequence: missense variant. On other transcripts: intron variant (1).
Genome position (GRCh38, 1-based): chr22:40,265,946, A>T. VCF-style: chr22-40265946-A-T. GRCh37 (hg19) VCF-style: chr22-40661950-A-T.
Other names: c.1716A>T, p.Gln572His (NM_015088.3); c.565+3773A>T (NM_001024843.2); short protein forms Q572H.
Identifiers: ClinVar variation 3364202 (VCV003364202.1).

ClinVar aggregate classification (germline): Uncertain significance (1 of 4 stars; one submission).

Submission:

GeneDx
Classification: Uncertain significance. Last evaluated: 2023-11-10. Review status: criteria provided, single submitter. Criteria: GeneDx Variant Classification Process June 2021. Collection method: clinical testing. Allele origin: germline. Affected: yes.
Comment: Not observed at significant frequency in large population cohorts (gnomAD); In silico analysis supports that this missense variant does not alter protein structure/function; Has not been previously published as pathogenic or benign to our knowledge